The following is an entry in ClinVar:

NM_001354712.2(THRB):c.*1354A>G

Gene: THRB (thyroid hormone receptor beta; minus strand). Cytogenetic location: 3p24.2.
Variant type: single nucleotide variant.
Coding change: c.*1354A>G on transcript NM_001354712.2 (MANE Select); 1354 bases downstream of the stop codon, A replaced by G.
Molecular consequence: 3 prime UTR variant.
Genome position (GRCh38, 1-based): chr3:24,121,530, T>C on the plus strand (A>G on the coding strand, the complement: THRB is on the minus strand). VCF-style: chr3-24121530-T-C. GRCh37 (hg19) VCF-style: chr3-24163021-T-C.
Other names: c.*1354A>G (NM_000461.5, NM_001128176.3, NM_001128177.2 and 8 more transcripts).
Identifiers: ClinVar variation 344613 (VCV000344613.6), dbSNP rs844107, ClinGen allele CA10617979.

ClinVar aggregate classification (germline): Benign. Review status: criteria provided, multiple submitters, no conflicts (2 of 4 stars). 2 submissions from 2 submitters: Benign (2). Last evaluated 2018-01-12.

Conditions:
Thyroid hormone resistance, generalized, autosomal dominant (GRTHD). Also called: HYPERTHYROXINEMIA, FAMILIAL EUTHYROID, SECONDARY TO PITUITARY AND PERIPHERAL RESISTANCE TO THYROID HORMONES. Identifiers: MedGen C2937288, MONDO:0008569, OMIM 188570.

Allele frequency attached by ClinVar (database versions not stated): gnomAD exomes 0.38532; gnomAD 0.45065 and 0.45119; TOPMed 0.46788; 1000 Genomes Project 0.50539; 1000 Genomes Project 30x 0.51077.
gnomAD v4.1: 68,788 of 152,424 alleles (45%); highest among the groups gnomAD compares: East Asian, 63%; 15,946 homozygotes.

Submissions (2):

Illumina Laboratory Services, Illumina
Classification: Benign for Thyroid hormone resistance, generalized, autosomal dominant. Last evaluated: 2018-01-12. Review status: criteria provided, single submitter. Criteria: ICSL Variant Classification Criteria 13 December 2019. Collection method: clinical testing. Allele origin: germline.
Comment: This variant was observed in the ICSL laboratory as part of a predisposition screen in an ostensibly healthy population. It had not been previously curated by ICSL or reported in the Human Gene Mutation Database (HGMD: prior to June 1st, 2018), and was therefore a candidate for classification through an automated scoring system. Utilizing variant allele frequency, disease prevalence and penetrance estimates, and inheritance mode, an automated score was calculated to assess if this variant is too frequent to cause the disease. Based on the score and internal cut-off values, a variant classified as benign is not then subjected to further curation. The score for this variant resulted in a classification of benign for this disease.

Breakthrough Genomics
Classification: Benign. Review status: criteria provided, single submitter. Criteria: ACMG Guidelines, 2015. Collection method: not provided. Allele origin: germline. Inheritance: Autosomal recessive inheritance. Affected: yes.